The following is an entry in ClinVar:

ClinVar aggregate classification (germline): Uncertain significance. Review status: criteria provided, multiple submitters, no conflicts (2 of 4 stars). 5 submissions from 5 submitters: Uncertain significance (3). 2 of the submissions do not count toward it. Last evaluated 2024-11-06.

Conditions:
CNGB1-related disorder. Also called: CNGB1-related condition.
Retinal dystrophy. Also called: Inherited retinal dystrophy. Identifiers: Orphanet 71862, MedGen C0854723, MeSH D058499, MONDO:0019118, HP:0000556.

Submissions (5):

Blueprint Genetics
Classification: Uncertain significance. Last evaluated: 2024-11-06. Review status: criteria provided, single submitter. Criteria: ACMG Guidelines, 2015. Collection method: clinical testing. Allele origin: germline.

Labcorp Genetics (formerly Invitae), Labcorp
Classification: Uncertain significance. Last evaluated: 2022-09-19. Review status: criteria provided, single submitter. Criteria: Invitae Variant Classification Sherloc (09022015). Collection method: clinical testing. Allele origin: germline.
Comment: This variant, c.1086_1091del, results in the deletion of 2 amino acid(s) of the CNGB1 protein (p.Glu370_Glu371del), but otherwise preserves the integrity of the reading frame. The frequency data for this variant in the population databases is considered unreliable, as metrics indicate poor data quality at this position in the gnomAD database. This variant has not been reported in the literature in individuals affected with CNGB1-related conditions. Experimental studies and prediction algorithms are not available or were not evaluated, and the functional significance of this variant is currently unknown. In summary, the available evidence is currently insufficient to determine the role of this variant in disease. Therefore, it has been classified as a Variant of Uncertain Significance.

Breakthrough Genomics
Classification: Uncertain significance. Review status: criteria provided, single submitter. Criteria: ACMG Guidelines, 2015. Collection method: not provided. Allele origin: germline. Inheritance: Autosomal recessive inheritance. Affected: yes.

PreventionGenetics, part of Exact Sciences
Classification: Uncertain significance for CNGB1-related condition. Last evaluated: 2024-08-22. Review status: no assertion criteria provided. Collection method: clinical testing. Allele origin: germline. Not counted in ClinVar's aggregate classification.
Comment: The CNGB1 c.1086_1091del6 variant is predicted to result in an in-frame deletion (p.Glu370_Glu371del). To our knowledge, this variant has not been reported in the literature. This variant is reported in 0.062% of alleles in individuals of South Asian descent in gnomAD, which may be too common to be an undocumented cause of disease. Although we suspect that this variant may be benign, at this time, the clinical significance of this variant is uncertain due to the absence of conclusive functional and genetic evidence.

Institute of Human Genetics, Univ. Regensburg, Univ. Regensburg
Classification: Uncertain significance for Retinal dystrophy. Last evaluated: 2017-01-01. Review status: no assertion criteria provided. Criteria: ACMG Guidelines, 2015. Collection method: clinical testing. Allele origin: germline. Affected: yes. Not counted in ClinVar's aggregate classification.

NM_001297.5(CNGB1):c.1080AGAGGA[1] (p.Glu370_Glu371del)

Gene: CNGB1 (cyclic nucleotide gated channel subunit beta 1; minus strand). Cytogenetic location: 16q21.
Variant type: Microsatellite.
Coding change: c.1080AGAGGA[1] on transcript NM_001297.5 (MANE Select); one copy of the 6-base unit AGAGGA starting at c.1080; the reference has two copies in a row; one copy, 6 bases deleted; also written c.1086_1091del.
Protein change: p.Glu370_Glu371del.
Molecular consequence: inframe deletion.
Genome position (GRCh38, 1-based): chr16:57,949,383-57,949,388, TCCTCT deleted on the plus strand (AGAGGA on the coding strand, the reverse complement: CNGB1 is on the minus strand); deleting any 6 consecutive bases within chr16:57,949,383-57,949,399 gives the same sequence; the position shown is the placement nearest the transcript's 3' end. VCF-style (leftmost placement, unchanged base first): chr16-57949382-CTCCTCT-C. GRCh37 (hg19) VCF-style: chr16-57983286-CTCCTCT-C.
Other names: c.1086_1091del (NM_001297.5); c.1086_1091del6 (NM_001297.4); c.1062AGAGGA[1], p.Glu364_Glu365del (NM_001286130.2).
Identifiers: ClinVar variation 1444874 (VCV001444874.7), dbSNP rs750979647, ClinGen allele CA8083565.